The following is an entry in ClinVar:

NM_007294.4(BRCA1):c.4850C>T (p.Ala1617Val)

Gene: BRCA1 (BRCA1 DNA repair associated; minus strand). Cytogenetic location: 17q21.31.
Variant type: single nucleotide variant.
Coding change: c.4850C>T on transcript NM_007294.4 (MANE Select); coding-DNA position 4850, C replaced by T.
Protein change: p.Ala1617Val; replaces alanine 1617 with valine.
Molecular consequence: missense variant. On other transcripts: non-coding transcript variant (1).
Genome position (GRCh38, 1-based): chr17:43,071,064, G>A on the plus strand (C>T on the coding strand, the complement: BRCA1 is on the minus strand). VCF-style: chr17-43071064-G-A. GRCh37 (hg19) VCF-style: chr17-41223081-G-A.
Other names: c.4640C>T, p.Ala1547Val (NM_001407879.1, NM_001407881.1, NM_001407884.1 and 5 more transcripts); c.1331C>T, p.Ala444Val (NM_001408480.1, NM_001408478.1, NM_001408479.1); c.1328C>T, p.Ala443Val (NM_001408485.1, NM_001408484.1, NM_001408481.1 and 5 more transcripts); c.4727C>T, p.Ala1576Val (NM_001407664.1, NM_001407665.1, NM_001407666.1 and 6 more transcripts); c.4724C>T, p.Ala1575Val (NM_001407670.1, NM_001407671.1, NM_001407672.1 and 11 more transcripts); c.4721C>T, p.Ala1574Val (NM_001407681.1, NM_001407682.1, NM_001407683.1 and 6 more transcripts); c.4850C>T, p.Ala1617Val (NM_001407684.1, NM_001407854.1, NM_001407593.1 and 8 more transcripts); c.4718C>T, p.Ala1573Val (NM_001407690.1, NM_001407691.1); and 70 more; short protein forms A1617V, A513V, A1570V, A1638V, A1320V, A1463V, A1489V, A1505V.
Identifiers: ClinVar variation 919232 (VCV000919232.8), dbSNP rs2052395309, ClinGen allele CA10591823.

ClinVar aggregate classification (germline): Uncertain significance. Review status: criteria provided, multiple submitters, no conflicts (2 of 4 stars). 3 submissions from 3 submitters: Uncertain significance (3). Last evaluated 2024-05-16.

Conditions:
Hereditary breast ovarian cancer syndrome. Also called: BRCA1- and BRCA2-Associated Hereditary Breast and Ovarian Cancer; Hereditary breast and ovarian cancer syndrome; Hereditary breast and ovarian cancer; Hereditary breast and ovarian cancer syndrome (HBOC); Breast and ovarian cancer; Hereditary breast and/or ovarian cancer syndrome. Identifiers: Orphanet 145, MedGen C0677776, MeSH D061325, MONDO:0003582. Disease mechanism: loss of function.
Hereditary cancer-predisposing syndrome. Also called: Neoplastic Syndromes, Hereditary; Tumor predisposition; Hereditary Cancer Syndrome; Hereditary neoplastic syndrome. Identifiers: Orphanet 140162, MedGen C0027672, MeSH D009386, MONDO:0015356.

Submissions (3):

Ambry Genetics
Classification: Uncertain significance for Hereditary cancer-predisposing syndrome. Last evaluated: 2024-05-16. Review status: criteria provided, single submitter. Criteria: Ambry Variant Classification Scheme 2023. Collection method: clinical testing. Allele origin: germline.
Comment: The p.A1617V variant (also known as c.4850C>T), located in coding exon 14 of the BRCA1 gene, results from a C to T substitution at nucleotide position 4850. The alanine at codon 1617 is replaced by valine, an amino acid with similar properties. This amino acid position is not well conserved in available vertebrate species. In addition, the in silico prediction for this alteration is inconclusive. Based on the available evidence, the clinical significance of this variant remains unclear.

Labcorp Genetics (formerly Invitae), Labcorp
Classification: Uncertain significance for Hereditary breast ovarian cancer syndrome. Last evaluated: 2024-03-27. Review status: criteria provided, single submitter. Criteria: Invitae Variant Classification Sherloc (09022015). Collection method: clinical testing. Allele origin: germline.
Comment: This sequence change replaces alanine, which is neutral and non-polar, with valine, which is neutral and non-polar, at codon 1617 of the BRCA1 protein (p.Ala1617Val). This variant is not present in population databases (gnomAD no frequency). This variant has not been reported in the literature in individuals affected with BRCA1-related conditions. ClinVar contains an entry for this variant (Variation ID: 919232). Advanced modeling of protein sequence and biophysical properties (such as structural, functional, and spatial information, amino acid conservation, physicochemical variation, residue mobility, and thermodynamic stability) performed at Invitae indicates that this missense variant is not expected to disrupt BRCA1 protein function with a negative predictive value of 95%. In summary, the available evidence is currently insufficient to determine the role of this variant in disease. Therefore, it has been classified as a Variant of Uncertain Significance.

Color Diagnostics, LLC DBA Color Health
Classification: Uncertain significance for Hereditary cancer-predisposing syndrome. Last evaluated: 2019-12-06. Review status: criteria provided, single submitter. Criteria: ACMG Guidelines, 2015. Collection method: clinical testing. Allele origin: germline.
Comment: This missense variant replaces alanine with valine at codon 1617 of the BRCA1 protein. Computational prediction is inconclusive regarding the impact of this variant on protein structure and function (internally defined REVEL score threshold 0.5 < inconclusive < 0.7, PMID: 27666373). Splice site prediction tools suggest that this variant may not impact RNA splicing. To our knowledge, functional studies have not been performed for this variant. This variant has not been reported in individuals affected with hereditary cancer in the literature. This variant has not been identified in the general population by the Genome Aggregation Database (gnomAD). The available evidence is insufficient to determine the role of this variant in disease conclusively. Therefore, this variant is classified as a Variant of Uncertain Significance.